The following is an entry in ClinVar:

NM_000091.5(COL4A3):c.656G>T (p.Gly219Val)

Genes: MFF-DT (MFF divergent transcript; minus strand), COL4A3 (collagen type IV alpha 3 chain; plus strand). Cytogenetic location: 2q36.3.
Variant type: single nucleotide variant.
Coding change: c.656G>T on transcript NM_000091.5 (MANE Select); coding-DNA position 656, G replaced by T.
Protein change: p.Gly219Val; replaces glycine 219 with valine.
Molecular consequence: missense variant.
Genome position (GRCh38, 1-based): chr2:227,253,306, G>T. VCF-style: chr2-227253306-G-T. GRCh37 (hg19) VCF-style: chr2-228118022-G-T.
Other names: short protein forms G219V.
Identifiers: ClinVar variation 1179076 (VCV001179076.5), dbSNP rs2069900248, ClinGen allele CA350864800.
Genomic context (GRCh38, chr2:227,253,306, plus strand): 5'-TTATTCATATTTATTTTTAGAAAATAATTTGGTTTTGTGTTTTCTTACAGGGTCACATGG[G>T]TGAAAGAGTGATAGGACATAAAGGAGAGCGGGTAATTTAAATACTATGTTTTATTAGCAG-3'
Protein context (NP_000082.2, residues 209-229): MGPRGPKGHM[Gly219Val]ERVIGHKGER

ClinVar aggregate classification (germline): Conflicting classifications of pathogenicity. Review status: criteria provided, conflicting classifications (1 of 4 stars). 2 submissions from 2 submitters: Likely pathogenic (1); Uncertain significance (1). Last evaluated 2024-05-05.

Conditions:
Autosomal dominant Alport syndrome (ATS3A). Also called: Alport syndrome dominant type; Renal failure and sensorineural hearing loss; ALPORT SYNDROME 3A, AUTOSOMAL DOMINANT. Identifiers: Orphanet 63, Orphanet 88918, MedGen C5882663, MONDO:0007086, OMIM 104200.
Autosomal recessive Alport syndrome (ATS2). Also called: COL4A4 Alport Syndrome and Thin Basement Membrane Nephropathy; ALPORT SYNDROME 2, AUTOSOMAL RECESSIVE; Alport syndrome type 2; COL4A3-Related Nephropathy. Identifiers: Orphanet 63, Orphanet 88919, MedGen C4746745, MONDO:0008762, OMIM 203780.
Benign familial hematuria. Also called: thin basement membrane disease. Identifiers: MedGen C0241908, MONDO:0957317.

Allele frequency attached by ClinVar (database versions not stated): gnomAD exomes below 0.00001.
gnomAD v4.1: 4 of 1,613,622 alleles (0.00025%); highest among the groups gnomAD compares: Non-Finnish European, 0.00025%; no homozygotes.

Submissions (2):

Labcorp Genetics (formerly Invitae), Labcorp
Classification: Uncertain significance. Last evaluated: 2024-05-05. Review status: criteria provided, single submitter. Criteria: Invitae Variant Classification Sherloc (09022015). Collection method: clinical testing. Allele origin: germline.
Comment: This sequence change replaces glycine, which is neutral and non-polar, with valine, which is neutral and non-polar, at codon 219 of the COL4A3 protein (p.Gly219Val). This variant is not present in population databases (gnomAD no frequency). This variant has not been reported in the literature in individuals affected with COL4A3-related conditions. ClinVar contains an entry for this variant (Variation ID: 1179076). Advanced modeling of protein sequence and biophysical properties (such as structural, functional, and spatial information, amino acid conservation, physicochemical variation, residue mobility, and thermodynamic stability) has been performed at Invitae for this missense variant, however the output from this modeling did not meet the statistical confidence thresholds required to predict the impact of this variant on COL4A3 protein function. In summary, the available evidence is currently insufficient to determine the role of this variant in disease. Therefore, it has been classified as a Variant of Uncertain Significance.

Fulgent Genetics
Classification: Likely pathogenic for Autosomal dominant Alport syndrome; Hematuria, benign familial, 1; Autosomal recessive Alport syndrome. Last evaluated: 2021-07-29. Review status: criteria provided, single submitter. Criteria: ACMG Guidelines, 2015. Collection method: clinical testing. Allele origin: unknown.